The following is an entry in ClinVar:

NM_001366385.1(CARD14):c.544C>T (p.Arg182Cys)

Gene: CARD14 (caspase recruitment domain family member 14; plus strand). Cytogenetic location: 17q25.3.
Variant type: single nucleotide variant.
Coding change: c.544C>T on transcript NM_001366385.1 (MANE Select); coding-DNA position 544, C replaced by T.
Protein change: p.Arg182Cys; replaces arginine 182 with cysteine.
Molecular consequence: missense variant. On other transcripts: non-coding transcript variant (1).
Genome position (GRCh38, 1-based): chr17:80,184,107, C>T. VCF-style: chr17-80184107-C-T. GRCh37 (hg19) VCF-style: chr17-78157906-C-T.
Other names: c.544C>T, p.Arg182Cys (NM_001257970.1, NM_024110.4); short protein forms R182C.
Identifiers: ClinVar variation 846189 (VCV000846189.11), dbSNP rs372403419, ClinGen allele CA8816444.
Genomic context (GRCh38, chr17:80,184,107, plus strand): 5'-CTGGCCGAGACCCGTGCCGAGGGCCTGCACCAGCTGGAGGCTGACCACAGCCGCATGAAG[C>T]GTGAGGTTAGCGCACACTTCCATGAGGTGCTGAGGCTGAAGGACGAGATGCTCAGCCTCT-3'
Protein context (NP_001353314.1, residues 172-192): QLEADHSRMK[Arg182Cys]EVSAHFHEVL

ClinVar aggregate classification (germline): Uncertain significance. Review status: criteria provided, multiple submitters, no conflicts (2 of 4 stars). 2 submissions from 2 submitters: Uncertain significance (2). Last evaluated 2025-11-27.

Conditions:
Pityriasis rubra pilaris (PRP). Also called: Pityriasis rubra pilaris--familial type. Identifiers: Orphanet 2897, MedGen C0032027, MONDO:0100017, OMIM 173200, MONDO:0008251.
Psoriasis 2. Identifiers: MedGen C1864497, MONDO:0011269, OMIM 602723.
Autoinflammatory syndrome. Identifiers: Orphanet 93665, MedGen C3890737, MONDO:0019751.

Allele frequency attached by ClinVar (database versions not stated): gnomAD 0.00004; gnomAD exomes 0.00005; TOPMed 0.00005; ExAC 0.00012; ESP Exome Variant Server 0.00015.
gnomAD v4.1: 74 of 1,579,094 alleles (0.0047%); highest among the groups gnomAD compares: Non-Finnish European, 0.0056%; no homozygotes.

Submissions (2):

Labcorp Genetics (formerly Invitae), Labcorp
Classification: Uncertain significance for Pityriasis rubra pilaris; Psoriasis 2. Last evaluated: 2025-11-27. Review status: criteria provided, single submitter. Criteria: Invitae Variant Classification Sherloc (09022015). Collection method: clinical testing. Allele origin: germline.
Comment: This sequence change replaces arginine, which is basic and polar, with cysteine, which is neutral and slightly polar, at codon 182 of the CARD14 protein (p.Arg182Cys). This variant is present in population databases (rs372403419, gnomAD 0.008%). This missense change has been observed in individual(s) with palmoplantar pustulosis (PMID: 36174714). ClinVar contains an entry for this variant (Variation ID: 846189). Invitae Evidence Modeling of protein sequence and biophysical properties (such as structural, functional, and spatial information, amino acid conservation, physicochemical variation, residue mobility, and thermodynamic stability) has been performed for this missense variant. However, the output from this modeling did not meet the statistical confidence thresholds required to predict the impact of this variant on CARD14 protein function. Experimental studies have shown that this missense change affects CARD14 function (PMID: 36174714). In summary, the available evidence is currently insufficient to determine the role of this variant in disease. Therefore, it has been classified as a Variant of Uncertain Significance.

Genome Diagnostics Laboratory, The Hospital for Sick Children
Classification: Uncertain significance for Autoinflammatory syndrome. Last evaluated: 2022-03-17. Review status: criteria provided, single submitter. Criteria: ACMG Guidelines, 2015. Collection method: clinical testing. Allele origin: germline. Affected: yes.

Literature cited by the submitters: PubMed 36174714 (cited by Labcorp Genetics (formerly Invitae), Labcorp).